The following is an entry in ClinVar:

ClinVar aggregate classification (germline): Uncertain significance (1 of 4 stars; one submission).

Conditions:
Myofibrillar myopathy 4. Also called: Zaspopathy (type). Identifiers: Orphanet 98912, MedGen C4721886, MONDO:0012277, OMIM 609452.

Submission:

Labcorp Genetics (formerly Invitae), Labcorp
Classification: Uncertain significance for Myofibrillar myopathy 4. Last evaluated: 2025-09-30. Review status: criteria provided, single submitter. Criteria: Invitae Variant Classification Sherloc (09022015). Collection method: clinical testing. Allele origin: germline.
Comment: This sequence change replaces isoleucine, which is neutral and non-polar, with leucine, which is neutral and non-polar, at codon 203 of the LDB3 protein (p.Ile203Leu). This variant is not present in population databases (gnomAD no frequency). This variant has not been reported in the literature in individuals affected with LDB3-related conditions. An algorithm developed to predict the effect of missense changes on protein structure and function (PolyPhen-2) suggests that this variant is likely to be tolerated. In summary, the available evidence is currently insufficient to determine the role of this variant in disease. Therefore, it has been classified as a Variant of Uncertain Significance.

NM_007078.3(LDB3):c.748A>C (p.Ile250Leu)

Gene: LDB3 (LIM domain binding 3; plus strand). Cytogenetic location: 10q23.2.
Variant type: single nucleotide variant.
Coding change: c.748A>C on transcript NM_007078.3 (MANE Select); coding-DNA position 748, A replaced by C.
Protein change: p.Ile250Leu; replaces isoleucine 250 with leucine.
Molecular consequence: missense variant.
Genome position (GRCh38, 1-based): chr10:86,691,954, A>C. VCF-style: chr10-86691954-A-C. GRCh37 (hg19) VCF-style: chr10-88451711-A-C.
Other names: c.607A>C, p.Ile203Leu (NM_001080114.2, NM_001080116.1, NM_001368066.1 and 2 more transcripts); c.748A>C, p.Ile250Leu (NM_001080115.2, NM_001368063.1, NM_001368064.1 and 1 more transcripts); c.952A>C, p.Ile318Leu (NM_001171610.2, NM_001171611.2); short protein forms I203L, I250L, I318L.
Identifiers: ClinVar variation 4728203 (VCV004728203.1).